The following is an entry in ClinVar:

ClinVar aggregate classification (germline): Uncertain significance (1 of 4 stars; one submission).

Conditions:
Fanconi anemia (FA). Also called: Fanconi's anemia. Identifiers: Orphanet 84, MedGen C0015625, MeSH D005199, MONDO:0019391.

Submission:

Sema4
Classification: Uncertain significance for Fanconi anemia. Last evaluated: 2021-07-13. Review status: criteria provided, single submitter. Criteria: Sema4 Curation Guidelines. Collection method: curation. Allele origin: germline.
Comment: The FANCD2 c.3889-5_3889-3delTTC intronic variant has not been reported in the literature to our knowledge. It was not observed in the large and broad cohorts of the Genome Aggregation Database. The variant has not been reported in ClinVar. This variant does not overlap a splice site and algorithms developed to predict the effect of sequence changes on RNA splicing do not suggest negative effect on normal splicing. The evidence is insufficient to meet ACMG/AMP criteria for classifying the variant as benign or pathogenic. Thus, the clinical significance of this variant is currently uncertain.

NM_001018115.3(FANCD2):c.3889-5_3889-3del

Genes: FANCD2 (FA complementation group D2; plus strand), FANCD2OS (FANCD2 opposite strand; minus strand). Cytogenetic location: 3p25.3.
Variant type: Microsatellite.
Coding change: c.3889-5_3889-3del on transcript NM_001018115.3 (MANE Select); 5 bases into the intron before coding-DNA position 3889 through 3 bases into the intron before coding-DNA position 3889, 3 bases deleted (TTC; older notation c.3889-5_3889-3delTTC).
Molecular consequence: intron variant.
Genome position (GRCh38, 1-based): chr3:10,094,284-10,094,286, TTC deleted; deleting any 3 consecutive bases within chr3:10,094,279-10,094,286 gives the same sequence; the c. name uses the placement nearest the transcript's 3' end. VCF-style (leftmost placement, unchanged base first): chr3-10094278-CTCT-C. GRCh37 (hg19) VCF-style: chr3-10135962-CTCT-C.
Other names: c.3889-5_3889-3del (NM_001319984.2, NM_033084.6); c.3778-5_3778-3del (NM_001374253.1); c.3850-5_3850-3del (NM_001374254.1); c.*43+9917_*43+9919del (NM_173472.2).
Identifiers: ClinVar variation 1692051 (VCV001692051.1), dbSNP rs2125090590, ClinGen allele CA2580614136.